The following is an entry in ClinVar:

NM_006206.6(PDGFRA):c.1538A>G (p.Glu513Gly)

Gene: PDGFRA (platelet derived growth factor receptor alpha; plus strand). Cytogenetic location: 4q12.
Variant type: single nucleotide variant.
Coding change: c.1538A>G on transcript NM_006206.6 (MANE Select); coding-DNA position 1538, A replaced by G.
Protein change: p.Glu513Gly; replaces glutamic acid 513 with glycine.
Molecular consequence: missense variant.
Genome position (GRCh38, 1-based): chr4:54,273,710, A>G. VCF-style: chr4-54273710-A-G. GRCh37 (hg19) VCF-style: chr4-55139877-A-G.
Other names: c.1538A>G, p.Glu513Gly (NM_001347827.2, NM_001347829.2); c.1613A>G, p.Glu538Gly (NM_001347828.2); c.1577A>G, p.Glu526Gly (NM_001347830.2); short protein forms E513G, E538G, E526G.
Identifiers: ClinVar variation 2587727 (VCV002587727.2), dbSNP rs2110293245, ClinGen allele CA356892771.

ClinVar aggregate classification (germline): Uncertain significance (1 of 4 stars; one submission).

Conditions:
Hereditary cancer-predisposing syndrome. Also called: Tumor predisposition; Hereditary Cancer Syndrome; Hereditary neoplastic syndrome; Neoplastic Syndromes, Hereditary. Identifiers: Orphanet 140162, MedGen C0027672, MeSH D009386, MONDO:0015356.

Submission:

Ambry Genetics
Classification: Uncertain significance for Hereditary cancer-predisposing syndrome. Last evaluated: 2023-08-25. Review status: criteria provided, single submitter. Criteria: Ambry Variant Classification Scheme 2023. Collection method: clinical testing. Allele origin: germline.
Comment: The p.E513G variant (also known as c.1538A>G), located in coding exon 9 of the PDGFRA gene, results from an A to G substitution at nucleotide position 1538. The glutamic acid at codon 513 is replaced by glycine, an amino acid with similar properties. This amino acid position is conserved. In addition, this alteration is predicted to be deleterious by in silico analysis. Since supporting evidence is limited at this time, the clinical significance of this alteration remains unclear.